The following is an entry in ClinVar:

ClinVar aggregate classification (germline): Uncertain significance (1 of 4 stars; one submission).

Submission:

GeneDx
Classification: Uncertain significance. Last evaluated: 2025-03-12. Review status: criteria provided, single submitter. Criteria: GeneDx Variant Classification Process June 2021. Collection method: clinical testing. Allele origin: germline. Affected: yes.
Comment: Not observed at significant frequency in large population cohorts (gnomAD); In silico analysis supports that this missense variant has a deleterious effect on protein structure/function; Has not been previously published as pathogenic or benign to our knowledge

NM_017934.7(PHIP):c.3562G>A (p.Val1188Met)

Genes: IRAK1BP1 (interleukin 1 receptor associated kinase 1 binding protein 1; plus strand), PHIP (PHIP subunit of CUL4-Ring ligase complex; minus strand). Cytogenetic location: 6q14.1.
Variant type: single nucleotide variant.
Coding change: c.3562G>A on transcript NM_017934.7 (MANE Select); coding-DNA position 3562, G replaced by A.
Protein change: p.Val1188Met; replaces valine 1188 with methionine.
Molecular consequence: missense variant.
Genome position (GRCh38, 1-based): chr6:78,961,784, C>T on the plus strand (G>A on the coding strand, the complement: PHIP is on the minus strand). VCF-style: chr6-78961784-C-T. GRCh37 (hg19) VCF-style: chr6-79671501-C-T.
Other names: short protein forms V1188M.
Identifiers: ClinVar variation 2429670 (VCV002429670.2), dbSNP rs2481860995, ClinGen allele CA364645854.
Genomic context (GRCh38, chr6:78,961,784, plus strand): 5'-TACTTAGATCCGTTGGATATGCCACTACTGTGCAATACATGGGATAGGCTTGCAGATCCA[C>T]GGGGGCCACAAATGCTGAGGCAATATCTAAAATAAATAGATAAGTTTGTAAATTTATTTT-3'
Protein context (NP_060404.4, residues 1178-1198): LDIASAFVAP[Val1188Met]DLQAYPMYCT